The following is an entry in ClinVar:

ClinVar aggregate classification (germline): Pathogenic (1 of 4 stars; one submission).

Conditions:
Primary ciliary dyskinesia. Also called: Ciliary dyskinesia. Identifiers: Orphanet 244, MedGen C0008780, MONDO:0016575, HP:0012265.

Submission:

Labcorp Genetics (formerly Invitae), Labcorp
Classification: Pathogenic for Primary ciliary dyskinesia. Last evaluated: 2022-07-05. Review status: criteria provided, single submitter. Criteria: Invitae Variant Classification Sherloc (09022015). Collection method: clinical testing. Allele origin: germline.
Comment: For these reasons, this variant has been classified as Pathogenic. Algorithms developed to predict the effect of sequence changes on RNA splicing suggest that this variant may disrupt the consensus splice site. ClinVar contains an entry for this variant (Variation ID: 1370829). Disruption of this splice site has been observed in individual(s) with primary ciliary dyskinesia (Invitae). This variant is not present in population databases (gnomAD no frequency). This sequence change affects a splice site in intron 5 of the DNAAF3 gene. It is expected to disrupt RNA splicing. Variants that disrupt the donor or acceptor splice site typically lead to a loss of protein function (PMID: 16199547), and loss-of-function variants in DNAAF3 are known to be pathogenic (PMID: 22387996).

Literature cited by the submitters: PubMed 16199547; PubMed 22387996.

NM_001256715.2(DNAAF3):c.480+2_480+9del

Genes: DNAAF3 (dynein axonemal assembly factor 3; minus strand), DNAAF3-AS1 (DNAAF3 antisense RNA 1; plus strand). Cytogenetic location: 19q13.42.
Variant type: Deletion.
Coding change: c.480+2_480+9del on transcript NM_001256715.2 (MANE Select); the canonical splice donor site of the intron after coding-DNA position 480 through 9 bases into the intron after coding-DNA position 480, 8 bases deleted (TGCCGCCG; older notation c.480+2_480+9delTGCCGCCG).
Molecular consequence: splice donor variant.
Genome position (GRCh38, 1-based): chr19:55,162,124-55,162,131, CGGCGGCA deleted on the plus strand (TGCCGCCG on the coding strand, the reverse complement: DNAAF3 is on the minus strand); deleting any 8 consecutive bases within chr19:55,162,124-55,162,132 gives the same sequence; the c. name uses the placement nearest the transcript's 3' end. VCF-style (leftmost placement, unchanged base first): chr19-55162123-GCGGCGGCA-G. GRCh37 (hg19) VCF-style: chr19-55673491-GCGGCGGCA-G.
Other names: c.621+2_621+9del (NM_178837.4); c.684+2_684+9del (NM_001256714.1); c.318+2_318+9del (NM_001256716.2).
Identifiers: ClinVar variation 1370829 (VCV001370829.6), dbSNP rs2147299107, ClinGen allele CA2573156737.
Genomic context (GRCh38, chr19:55,162,123, plus strand): 5'-GTCCTTTGGACTGTGCGCTTCCATTATTCCCGCGGCCACCCGATCCCAGATGGAGGCCGG[GCGGCGGCA>G]CCTTGAGGGCGCGGAGGCTGAGCCAGGGCAGCTGTTCCTCCAGGCGGTCGGGCTCGGGGA-3'